The following is an entry in ClinVar:

ClinVar aggregate classification (germline): Uncertain significance. Review status: criteria provided, multiple submitters, no conflicts (2 of 4 stars). 2 submissions from 2 submitters: Uncertain significance (2). Last evaluated 2024-04-25.

Conditions:
Catecholaminergic polymorphic ventricular tachycardia (CVPT). Also called: Catecholamine-induced polymorphic ventricular tachycardia. Identifiers: Orphanet 3286, MedGen C5574922, MONDO:0017990.

Submissions (2):

All of Us Research Program, National Institutes of Health
Classification: Uncertain significance for Catecholaminergic polymorphic ventricular tachycardia. Last evaluated: 2024-04-25. Review status: criteria provided, single submitter. Criteria: ACMG Guidelines, 2015. Collection method: clinical testing. Allele origin: germline. Inheritance: Autosomal dominant inheritance. Observed: 1 variant allele, 1 heterozygote.
Comment: This missense variant replaces serine with asparagine at codon 1772 of the RYR2 protein. Computational prediction suggests that this variant may not impact protein structure and function (internally defined REVEL score threshold <= 0.5, PMID: 27666373). To our knowledge, functional studies have not been reported for this variant. This variant has not been reported in individuals affected with RYR2-related disorders in the literature. This variant has not been identified in the general population by the Genome Aggregation Database (gnomAD). The available evidence is insufficient to determine the role of this variant in disease conclusively. Therefore, this variant is classified as a Variant of Uncertain Significance.

This study involves interpretation of variants in research participants for the purpose of population health screening. Participant phenotype was not available at the time of variant classification. Additional details can be found in publication PMID: 35346344, PMCID: PMC8962531

Labcorp Genetics (formerly Invitae), Labcorp
Classification: Uncertain significance for Catecholaminergic polymorphic ventricular tachycardia. Last evaluated: 2018-04-12. Review status: criteria provided, single submitter. Criteria: Invitae Variant Classification Sherloc (09022015). Collection method: clinical testing. Allele origin: germline.
Comment: This sequence change replaces serine with asparagine at codon 1772 of the RYR2 protein (p.Ser1772Asn). The serine residue is moderately conserved and there is a small physicochemical difference between serine and asparagine. This variant is not present in population databases (ExAC no frequency). This variant has not been reported in the literature in individuals with RYR2-related disease. Algorithms developed to predict the effect of missense changes on protein structure and function output the following: SIFT: "Tolerated"; PolyPhen-2: "Benign"; Align-GVGD: "Class C0". The asparagine amino acid residue is found in multiple mammalian species, suggesting that this missense change does not adversely affect protein function. These predictions have not been confirmed by published functional studies and their clinical significance is uncertain. In summary, the available evidence is currently insufficient to determine the role of this variant in disease. Therefore, it has been classified as a Variant of Uncertain Significance.

NM_001035.3(RYR2):c.5315G>A (p.Ser1772Asn)

Gene: RYR2 (ryanodine receptor 2; plus strand). Cytogenetic location: 1q43.
Variant type: single nucleotide variant.
Coding change: c.5315G>A on transcript NM_001035.3 (MANE Select); coding-DNA position 5315, G replaced by A.
Protein change: p.Ser1772Asn; replaces serine 1772 with asparagine.
Molecular consequence: missense variant.
Genome position (GRCh38, 1-based): chr1:237,614,443, G>A. VCF-style: chr1-237614443-G-A. GRCh37 (hg19) VCF-style: chr1-237777743-G-A.
Other names: c.5315G>A, p.Ser1772Asn (LRG_402t1); short protein forms S1772N.
Identifiers: ClinVar variation 580551 (VCV000580551.3), dbSNP rs1559116458, ClinGen allele CA345404757.
Genomic context (GRCh38, chr1:237,614,443, plus strand): 5'-GCCTCAGCACCTCCCTCAGGCCACGGATGCAGTTTTCCTCCCCCAGTTTTGTAAGCATTA[G>A]TAATGAATGTTACCAGTACAGTCCAGAGTTCCCACTGGACATCCTCAAGTCCAAAACCAT-3'
Protein context (NP_001026.2, residues 1762-1782): QFSSPSFVSI[Ser1772Asn]NECYQYSPEF